The following is an entry in ClinVar:

NM_000263.4(NAGLU):c.326G>A (p.Arg109His)

Gene: NAGLU (N-acetyl-alpha-glucosaminidase; plus strand). Cytogenetic location: 17q21.2.
Variant type: single nucleotide variant.
Coding change: c.326G>A on transcript NM_000263.4 (MANE Select); coding-DNA position 326, G replaced by A.
Protein change: p.Arg109His; replaces arginine 109 with histidine.
Molecular consequence: missense variant.
Genome position (GRCh38, 1-based): chr17:42,536,598, G>A. VCF-style: chr17-42536598-G-A. GRCh37 (hg19) VCF-style: chr17-40688616-G-A.
Other names: short protein forms R109H.
Identifiers: ClinVar variation 1381622 (VCV001381622.6), dbSNP rs1224387286, ClinGen allele CA399596114.

ClinVar aggregate classification (germline): Uncertain significance (1 of 4 stars; one submission).

Conditions:
Charcot-Marie-Tooth disease axonal type 2V. Also called: CHARCOT-MARIE-TOOTH NEUROPATHY, TYPE 2V; CHARCOT-MARIE-TOOTH DISEASE, AXONAL, AUTOSOMAL DOMINANT, TYPE 2V. Identifiers: Orphanet 447964, MedGen C5569050, MONDO:0014665, OMIM 616491.
Mucopolysaccharidosis, MPS-III-B (MPS3B). Also called: MPS IIIB (Sanfilippo Syndrome Type B); N-ACETYL-ALPHA-D-GLUCOSAMINIDASE DEFICIENCY; NAGLU DEFICIENCY; MUCOPOLYSACCHARIDOSIS, TYPE IIIB; Mucopolysaccharidosis type IIIB (Sanfilippo B); SANFILIPPO SYNDROME B. Identifiers: Orphanet 79270, MedGen C0086648, MONDO:0009656, OMIM 252920.

Allele frequency attached by ClinVar (database versions not stated): gnomAD exomes below 0.00001.

Submission:

Labcorp Genetics (formerly Invitae), Labcorp
Classification: Uncertain significance for Charcot-Marie-Tooth disease axonal type 2V; Mucopolysaccharidosis, MPS-III-B. Last evaluated: 2021-08-28. Review status: criteria provided, single submitter. Criteria: Invitae Variant Classification Sherloc (09022015). Collection method: clinical testing. Allele origin: germline.
Comment: This sequence change replaces arginine with histidine at codon 109 of the NAGLU protein (p.Arg109His). The arginine residue is weakly conserved and there is a small physicochemical difference between arginine and histidine. The frequency data for this variant in the population databases is considered unreliable, as metrics indicate insufficient coverage at this position in the ExAC database. This variant has not been reported in the literature in individuals affected with NAGLU-related conditions. Advanced modeling of protein sequence and biophysical properties (such as structural, functional, and spatial information, amino acid conservation, physicochemical variation, residue mobility, and thermodynamic stability) performed at Invitae indicates that this missense variant is not expected to disrupt NAGLU protein function. In summary, the available evidence is currently insufficient to determine the role of this variant in disease. Therefore, it has been classified as a Variant of Uncertain Significance.